The following is an entry in ClinVar:

ClinVar aggregate classification (germline): Uncertain significance (1 of 4 stars; one submission).

Conditions:
DIAPH3-related disorder. Also called: DIAPH3-related condition.

Submission:

PreventionGenetics, part of Exact Sciences
Classification: Uncertain significance for DIAPH3-related condition. Last evaluated: 2025-11-24. Review status: criteria provided, single submitter. Criteria: ACMG Guidelines, 2015. Collection method: clinical testing. Allele origin: germline.
Comment: The DIAPH3 c.2408T>G variant is predicted to result in the amino acid substitution p.Ile803Ser. To our knowledge, this variant has not been reported in the literature or in a large population database (gnomAD), indicating this variant is rare. At this time, the clinical significance of this variant is uncertain due to the absence of conclusive functional and genetic evidence.

NM_001042517.2(DIAPH3):c.2408T>G (p.Ile803Ser)

Gene: DIAPH3 (diaphanous related formin 3; minus strand). Cytogenetic location: 13q21.2.
Variant type: single nucleotide variant.
Coding change: c.2408T>G on transcript NM_001042517.2 (MANE Select); coding-DNA position 2408, T replaced by G.
Protein change: p.Ile803Ser; replaces isoleucine 803 with serine.
Molecular consequence: missense variant.
Genome position (GRCh38, 1-based): chr13:59,879,428, A>C on the plus strand (T>G on the coding strand, the complement: DIAPH3 is on the minus strand). VCF-style: chr13-59879428-A-C. GRCh37 (hg19) VCF-style: chr13-60453562-A-C.
Other names: c.2375T>G, p.Ile792Ser (NM_001258366.2); c.2270T>G, p.Ile757Ser (NM_001258367.2); c.2198T>G, p.Ile733Ser (NM_001258368.2); c.2408T>G, p.Ile803Ser (NM_001258369.2); c.1619T>G, p.Ile540Ser (NM_001258370.2, NM_030932.4); short protein forms I792S, I540S, I733S, I757S, I803S.
Identifiers: ClinVar variation 4986320 (VCV004986320.1).
Genomic context (GRCh38, chr13:59,879,428, plus strand): 5'-ACAGCCATGATGTCAGGTTTGATGTTGTTCACCTGCTCTTCAAACTGAAGCTTAAAGAGA[A>C]TAGCACTGAGCCGTGGCCGTAGTCTCTTCACATTGCTCATCTGATTGAAAAGAAAACAGC-3'
Protein context (NP_001035982.1, residues 793-813): VKRLRPRLSA[Ile803Ser]LFKLQFEEQV